The following is an entry in ClinVar:

ClinVar aggregate classification (germline): Pathogenic (1 of 4 stars; one submission).

Submission:

GeneDx
Classification: Pathogenic. Last evaluated: 2015-08-26. Review status: criteria provided, single submitter. Criteria: GeneDx Variant Classification (06012015). Collection method: clinical testing. Allele origin: germline. Affected: yes.
Comment: The normal sequence with the bases that are deleted in braces is: CAAC{AT}GCTG. The c.213_214delAT pathogenic variant in the GPC3 gene causes a frameshift starting with codon Cysteine 72, changes this amino acid to a Leucine residue and creates a premature stop codon at position 44 of the new reading frame, denoted p.Cys72LeufsX44. The c.213_214delAT mutation was not observed in approximately 6,500 individuals of European and African American ancestry in the NHLBI Exome Sequencing Project, indicating it is not a common benign variant in these populations.

NM_004484.4(GPC3):c.213_214del (p.Cys72fs)

Gene: GPC3 (glypican 3; minus strand). Cytogenetic location: Xq26.2.
Variant type: Deletion.
Coding change: c.213_214del on transcript NM_004484.4 (MANE Select); coding-DNA positions 213 to 214, 2 bases deleted (AT; older notation c.213_214delAT).
Protein change: p.Cys72fs; shifts the reading frame from cysteine 72.
Molecular consequence: frameshift variant. On other transcripts: intron variant (1).
Genome position (GRCh38, 1-based): chrX:133,953,173-133,953,174, AT deleted on the plus strand (AT on the coding strand, the reverse complement: GPC3 is on the minus strand). VCF-style (leftmost placement, unchanged base first): chrX-133953172-CAT-C. GRCh37 (hg19) VCF-style: chrX-133087199-CAT-C.
Other names: c.213_214del, p.Cys72fs (NM_001164617.2, NM_001164618.2); c.175+32101_175+32102del (NM_001164619.2); c.213_214delAT (NM_004484.3); short protein forms C72fs.
Identifiers: ClinVar variation 265186 (VCV000265186.2), dbSNP rs886039384, ClinGen allele CA10588742.